The following is an entry in ClinVar:

NM_001352514.2(HLCS):c.2618G>A (p.Arg873Gln)

Gene: HLCS (holocarboxylase synthetase; minus strand). Cytogenetic location: 21q22.13.
Variant type: single nucleotide variant.
Coding change: c.2618G>A on transcript NM_001352514.2 (MANE Select); coding-DNA position 2618, G replaced by A.
Protein change: p.Arg873Gln; replaces arginine 873 with glutamine.
Molecular consequence: missense variant. On other transcripts: non-coding transcript variant (2).
Genome position (GRCh38, 1-based): chr21:36,754,250, C>T on the plus strand (G>A on the coding strand, the complement: HLCS is on the minus strand). VCF-style: chr21-36754250-C-T. GRCh37 (hg19) VCF-style: chr21-38126551-C-T.
Other names: c.2177G>A, p.Arg726Gln (NM_000411.8, NM_001242784.3, NM_001242785.2 and 4 more transcripts); short protein forms R726Q, R873Q.
Identifiers: ClinVar variation 2146060 (VCV002146060.1), dbSNP rs773627696, ClinGen allele CA10020202.
Genomic context (GRCh38, chr21:36,754,250, plus strand): 5'-TAGATTTCCAGATGCATGGGCACGGACAGGCAGCCGCGTCTCGGGGACGCCCGGCATTAC[C>T]GCCGTTTGGGGAGGATGAGGTTTCTCAGCATGTCGAAGGAGTTGCCGTCCGGGTGCACAG-3'
Protein context (NP_001339443.1, residues 863-873): MLRNLILPKR[Arg873Gln]

ClinVar aggregate classification (germline): Uncertain significance (1 of 4 stars; one submission).

Conditions:
Holocarboxylase synthetase deficiency. Also called: MULTIPLE CARBOXYLASE DEFICIENCY, EARLY ONSET. Identifiers: Orphanet 79242, MedGen C0268581, MONDO:0009666, OMIM 253270.

Allele frequency attached by ClinVar (database versions not stated): gnomAD exomes below 0.00001; ExAC 0.00001; gnomAD 0.00001; TOPMed 0.00004.
gnomAD v4.1: 8 of 1,613,774 alleles (0.0005%); highest among the groups gnomAD compares: African/African-American, 0.0027%; no homozygotes.

Submission:

Labcorp Genetics (formerly Invitae), Labcorp
Classification: Uncertain significance for Holocarboxylase synthetase deficiency. Last evaluated: 2022-03-22. Review status: criteria provided, single submitter. Criteria: Invitae Variant Classification Sherloc (09022015). Collection method: clinical testing. Allele origin: germline.
Comment: This sequence change replaces arginine, which is basic and polar, with glutamine, which is neutral and polar, at codon 726 of the HLCS protein (p.Arg726Gln). This variant is present in population databases (rs773627696, gnomAD 0.006%). This variant has not been reported in the literature in individuals affected with HLCS-related conditions. Advanced modeling of protein sequence and biophysical properties (such as structural, functional, and spatial information, amino acid conservation, physicochemical variation, residue mobility, and thermodynamic stability) performed at Invitae indicates that this missense variant is not expected to disrupt HLCS protein function. Algorithms developed to predict the effect of sequence changes on RNA splicing suggest that this variant may disrupt the consensus splice site. In summary, the available evidence is currently insufficient to determine the role of this variant in disease. Therefore, it has been classified as a Variant of Uncertain Significance.